The following is an entry in ClinVar:

NM_000245.4(MET):c.3332C>A (p.Ser1111Tyr)

Gene: MET (MET proto-oncogene, receptor tyrosine kinase; plus strand). Cytogenetic location: 7q31.2.
Variant type: single nucleotide variant.
Coding change: c.3332C>A on transcript NM_000245.4 (MANE Select); coding-DNA position 3332, C replaced by A.
Protein change: p.Ser1111Tyr; replaces serine 1111 with tyrosine.
Molecular consequence: missense variant.
Genome position (GRCh38, 1-based): chr7:116,777,461, C>A. VCF-style: chr7-116777461-C-A. GRCh37 (hg19) VCF-style: chr7-116417515-C-A.
Other names: c.3386C>A, p.Ser1129Tyr (NM_001127500.3); c.2042C>A, p.Ser681Tyr (NM_001324402.2); short protein forms S681Y, S1111Y, S1129Y.
Identifiers: ClinVar variation 4106765 (VCV004106765.1).
Genomic context (GRCh38, chr7:116,777,461, plus strand): 5'-GTGTATATCATGGGACTTTGTTGGACAATGATGGCAAGAAAATTCACTGTGCTGTGAAAT[C>A]CTTGAACAGTAAGTGGCATTTTATTTAACCATGGAGTATACTTTTGTGGTTTGCAACCTA-3'
Protein context (NP_000236.2, residues 1101-1121): DGKKIHCAVK[Ser1111Tyr]LNRITDIGEV

ClinVar aggregate classification (germline): Uncertain significance (1 of 4 stars; one submission).

Conditions:
Hereditary cancer-predisposing syndrome. Also called: Tumor predisposition; Neoplastic Syndromes, Hereditary; Hereditary neoplastic syndrome; Hereditary Cancer Syndrome. Identifiers: Orphanet 140162, MedGen C0027672, MeSH D009386, MONDO:0015356.

Submission:

Ambry Genetics
Classification: Uncertain significance for Hereditary cancer-predisposing syndrome. Last evaluated: 2025-07-12. Review status: criteria provided, single submitter. Criteria: Ambry Variant Classification Scheme 2023. Collection method: clinical testing. Allele origin: germline.
Comment: The p.S1129Y variant (also known as c.3386C>A), located in coding exon 15 of the MET gene, results from a C to A substitution at nucleotide position 3386. The serine at codon 1129 is replaced by tyrosine, an amino acid with dissimilar properties. This amino acid position is conserved. In addition, the in silico prediction for this alteration is inconclusive. Based on the available evidence, the clinical significance of this variant remains unclear.